The following is an entry in ClinVar:

NM_001127649.3(PEX26):c.129CCT[1] (p.Leu45del)

Gene: PEX26 (peroxisomal biogenesis factor 26; plus strand). Cytogenetic location: 22q11.21.
Variant type: Microsatellite.
Coding change: c.129CCT[1] on transcript NM_001127649.3 (MANE Select); one copy of the 3-base unit CCT starting at c.129; the reference has two copies in a row; one copy, 3 bases deleted.
Protein change: p.Leu45del; deletes leucine 45.
Molecular consequence: inframe deletion.
Genome position (GRCh38, 1-based): chr22:18,078,508-18,078,510, CCT deleted; deleting any 3 consecutive bases within chr22:18,078,505-18,078,510 gives the same sequence; the position shown is the placement nearest the transcript's 3' end. VCF-style (leftmost placement, unchanged base first): chr22-18078504-ACCT-A. GRCh37 (hg19) VCF-style: chr22-18561270-ACCT-A.
Other names: c.129CCT[1], p.Leu45del (NM_001199319.2, NM_017929.6); short protein forms L45del.
Identifiers: ClinVar variation 857575 (VCV000857575.9), dbSNP rs1926398431, ClinGen allele CA916083782.
Genomic context (GRCh38, chr22:18,078,504, plus strand): 5'-AGCCGGTGCGCGCGGTCCCGGCCCGGGCGCCGGCCGTGGACCTTCTGGAGGAGGCGGCCG[ACCT>A]CCTGGTGGTGCACCTGGACTTCCGGGCGGCGCTGGAGACCTGCGAGCGGGCCTGGCAGAG-3'

ClinVar aggregate classification (germline): Uncertain significance (1 of 4 stars; one submission).

Conditions:
Peroxisome biogenesis disorder 7A (Zellweger). Also called: Peroxisome biogenesis disorder 7A. Identifiers: Orphanet 912, MedGen C3888385, MONDO:0013938, OMIM 614872.
Peroxisome biogenesis disorder 7B (PBD7B). Identifiers: Orphanet 44, MedGen C3553951, MONDO:0013939, OMIM 614873.

Submission:

Labcorp Genetics (formerly Invitae), Labcorp
Classification: Uncertain significance for Peroxisome biogenesis disorder 7A (Zellweger); Peroxisome biogenesis disorder 7B. Last evaluated: 2019-03-28. Review status: criteria provided, single submitter. Criteria: Invitae Variant Classification Sherloc (09022015). Collection method: clinical testing. Allele origin: germline.
Comment: The frequency data for this variant in the population databases is considered unreliable, as metrics indicate insufficient coverage at this position in the ExAC database. This variant, c.132_134del, results in the deletion of 1 amino acid(s) of the PEX26 protein (p.Leu45del), but otherwise preserves the integrity of the reading frame. This variant has not been reported in the literature in individuals with PEX26-related conditions. Experimental studies and prediction algorithms are not available for this variant, and the functional significance of the affected amino acid(s) is currently unknown. In summary, the available evidence is currently insufficient to determine the role of this variant in disease. Therefore, it has been classified as a Variant of Uncertain Significance.